The following is an entry in ClinVar:

ClinVar aggregate classification (germline): Pathogenic (1 of 4 stars; one submission).

Submission:

GeneDx
Classification: Pathogenic. Last evaluated: 2016-11-28. Review status: criteria provided, single submitter. Criteria: GeneDx Variant Classification (06012015). Collection method: clinical testing. Allele origin: germline. Affected: yes.
Comment: The c.5177_5190del14insT pathogenic variant in the CHD7 gene causes a frameshift starting with codon Serine 1726, changes this amino acid to a Isoleucine residue and creates a premature Stop codon at position 2 of the new reading frame, denoted p.Ser1726IlefsX2. This pathogenic variant is predicted to cause loss of normal protein function either through protein truncation or nonsense-mediated mRNA decay. The c.5177_5190del14insT variant was not observed in approximately 6,100 individuals of European and African American ancestry in the NHLBI Exome Sequencing Project, indicating it is not a common benign variant in these populations.

NM_017780.4(CHD7):c.5177_5190delinsT (p.Ser1726fs)

Gene: CHD7 (chromodomain helicase DNA binding protein 7; plus strand). Cytogenetic location: 8q12.2.
Variant type: Indel.
Coding change: c.5177_5190delinsT on transcript NM_017780.4 (MANE Select); coding-DNA positions 5177 to 5190, GCTACAAGAAACAC replaced by T.
Protein change: p.Ser1726fs; shifts the reading frame from serine 1726.
Molecular consequence: frameshift variant. On other transcripts: intron variant (1).
Genome position (GRCh38, 1-based): chr8:60,845,376-60,845,389, GCTACAAGAAACAC replaced by T. VCF-style: chr8-60845376-GCTACAAGAAACAC-T. GRCh37 (hg19) VCF-style: chr8-61757935-GCTACAAGAAACAC-T.
Other names: c.1717-16853_1717-16840delinsT (NM_001316690.1); c.5177_5190delGCTACAAGAAACACinsT (LRG_176t1); short protein forms S1726fs.
Identifiers: ClinVar variation 373731 (VCV000373731.2), dbSNP rs1057518576, ClinGen allele CA16042755.